The following is an entry in ClinVar:

NM_004168.4(SDHA):c.64-4C>T

Gene: SDHA (succinate dehydrogenase complex flavoprotein subunit A; plus strand). Cytogenetic location: 5p15.33.
Variant type: single nucleotide variant.
Coding change: c.64-4C>T on transcript NM_004168.4 (MANE Select); 4 bases into the intron before coding-DNA position 64, C replaced by T.
Molecular consequence: intron variant.
Genome position (GRCh38, 1-based): chr5:223,478, C>T. VCF-style: chr5-223478-C-T. GRCh37 (hg19) VCF-style: chr5-223593-C-T.
Other names: c.64-4C>T (NM_001330758.2, NM_001294332.2).
Identifiers: ClinVar variation 1913793 (VCV001913793.6), dbSNP rs2477279831, ClinGen allele CA2578252941.

ClinVar aggregate classification (germline): Likely benign. Review status: criteria provided, multiple submitters, no conflicts (2 of 4 stars). 2 submissions from 2 submitters: Likely benign (2). Last evaluated 2025-02-28.

Conditions:
Pheochromocytoma/paraganglioma syndrome 5. Also called: Paragangliomas 5; SDHA-Related Hereditary Paraganglioma-Pheochromocytoma Syndrome. Identifiers: Orphanet 29072, MedGen C3279992, MONDO:0013602, OMIM 614165.
Mitochondrial complex II deficiency, nuclear type 1. Also called: SUCCINATE CoQ REDUCTASE DEFICIENCY. Identifiers: Orphanet 3208, MedGen C5700310, MONDO:0100294, OMIM 252011.

Submissions (2):

Myriad Genetics, Inc.
Classification: Likely benign for Pheochromocytoma/paraganglioma syndrome 5. Last evaluated: 2025-02-28. Review status: criteria provided, single submitter. Criteria: Myriad Autosomal Dominant, Autosomal Recessive and X-Linked Classification Criteria (2023). Collection method: clinical testing. Allele origin: unknown.
Comment: This variant is considered likely benign. This variant is intronic and is not expected to impact mRNA splicing.

Labcorp Genetics (formerly Invitae), Labcorp
Classification: Likely benign for Pheochromocytoma/paraganglioma syndrome 5; Mitochondrial complex II deficiency, nuclear type 1. Last evaluated: 2024-11-17. Review status: criteria provided, single submitter. Criteria: Invitae Variant Classification Sherloc (09022015). Collection method: clinical testing. Allele origin: germline.